The following is an entry in ClinVar:

NM_006015.6(ARID1A):c.687C>A (p.Tyr229Ter)

Genes: ARID1A (AT-rich interaction domain 1A; plus strand), LOC129929837 (ATAC-STARR-seq lymphoblastoid silent region 489; plus strand). Cytogenetic location: 1p36.11.
Variant type: single nucleotide variant.
Coding change: c.687C>A on transcript NM_006015.6 (MANE Select); coding-DNA position 687, C replaced by A.
Protein change: p.Tyr229Ter; replaces tyrosine 229 with a stop codon.
Molecular consequence: nonsense.
Genome position (GRCh38, 1-based): chr1:26,697,090, C>A. VCF-style: chr1-26697090-C-A. GRCh37 (hg19) VCF-style: chr1-27023581-C-A.
Other names: c.687C>A, p.Tyr229Ter (NM_139135.4); short protein forms Y229*.
Identifiers: ClinVar variation 4993639 (VCV004993639.1).
Genomic context (GRCh38, chr1:26,697,090, plus strand): 5'-CCACCAGTACAACTCCTACTACCCCAACCGCAGCGCCTACCCCCCGCCCGCCCCGGCCTA[C>A]GCGCTGAGCTCCCCGAGAGGTGGCACTCCGGGCTCCGGCGCGGCGGCGGCTGCCGGCTCC-3'

ClinVar aggregate classification (germline): Likely pathogenic (1 of 4 stars; one submission).

Conditions:
ARID1A-related disorder. Also called: ARID1A-related condition.

Submission:

PreventionGenetics, part of Exact Sciences
Classification: Likely pathogenic for ARID1A-related condition. Last evaluated: 2026-07-03. Review status: criteria provided, single submitter. Criteria: ACMG Guidelines, 2015. Collection method: clinical testing. Allele origin: germline.
Comment: The ARID1A c.687C>A variant is predicted to result in premature protein termination (p.Tyr229*). To our knowledge, this variant has not been reported in the literature or in a large population database (gnomAD), indicating this variant is rare. Nonsense variants in ARID1A are expected to be pathogenic. This variant is interpreted as likely pathogenic.